The following is an entry in ClinVar:

NM_020949.3(SLC7A14):c.1757G>A (p.Gly586Asp)

Genes: SLC7A14-AS1 (SLC7A14 antisense RNA 1; plus strand), SLC7A14 (solute carrier family 7 member 14; minus strand). Cytogenetic location: 3q26.2.
Variant type: single nucleotide variant.
Coding change: c.1757G>A on transcript NM_020949.3 (MANE Select); coding-DNA position 1757, G replaced by A.
Protein change: p.Gly586Asp; replaces glycine 586 with aspartic acid.
Molecular consequence: missense variant.
Genome position (GRCh38, 1-based): chr3:170,480,525, C>T on the plus strand (G>A on the coding strand, the complement: SLC7A14 is on the minus strand). VCF-style: chr3-170480525-C-T. GRCh37 (hg19) VCF-style: chr3-170198314-C-T.
Other names: short protein forms G586D.
Identifiers: ClinVar variation 855144 (VCV000855144.9), dbSNP rs1468488622, ClinGen allele CA355489329.

ClinVar aggregate classification (germline): Uncertain significance (1 of 4 stars; one submission).

gnomAD v4.1: 6 of 1,614,166 alleles (0.00037%); highest among the groups gnomAD compares: Middle Eastern, 0.099%; no homozygotes.

Submission:

Labcorp Genetics (formerly Invitae), Labcorp
Classification: Uncertain significance. Last evaluated: 2022-02-03. Review status: criteria provided, single submitter. Criteria: Invitae Variant Classification Sherloc (09022015). Collection method: clinical testing. Allele origin: germline.
Comment: This variant has not been reported in the literature in individuals affected with SLC7A14-related conditions. This variant is not present in population databases (gnomAD no frequency). This sequence change replaces glycine, which is neutral and non-polar, with aspartic acid, which is acidic and polar, at codon 586 of the SLC7A14 protein (p.Gly586Asp). In summary, the available evidence is currently insufficient to determine the role of this variant in disease. Therefore, it has been classified as a Variant of Uncertain Significance. Algorithms developed to predict the effect of missense changes on protein structure and function are either unavailable or do not agree on the potential impact of this missense change (SIFT: "Deleterious"; PolyPhen-2: "Possibly Damaging"; Align-GVGD: "Class C0"). ClinVar contains an entry for this variant (Variation ID: 855144).